The following is an entry in ClinVar:

NM_153676.4(USH1C):c.628A>T (p.Lys210Ter)

Gene: USH1C (USH1 protein network component harmonin; minus strand). Cytogenetic location: 11p15.1.
Variant type: single nucleotide variant.
Coding change: c.628A>T on transcript NM_153676.4 (MANE Select); coding-DNA position 628, A replaced by T.
Protein change: p.Lys210Ter; replaces lysine 210 with a stop codon.
Molecular consequence: nonsense. On other transcripts: non-coding transcript variant (1).
Genome position (GRCh38, 1-based): chr11:17,526,393, T>A on the plus strand (A>T on the coding strand, the complement: USH1C is on the minus strand). VCF-style: chr11-17526393-T-A. GRCh37 (hg19) VCF-style: chr11-17547940-T-A.
Other names: c.628A>T, p.Lys210Ter (NM_001297764.2, NM_005709.4); short protein forms K210*.
Identifiers: ClinVar variation 936958 (VCV000936958.11), dbSNP rs755601799, ClinGen allele CA5904938.

ClinVar aggregate classification (germline): Pathogenic. Review status: criteria provided, multiple submitters, no conflicts (2 of 4 stars). 3 submissions from 3 submitters: Pathogenic (3). Last evaluated 2024-02-05.

Conditions:
USH1C-related disorder. Also called: USH1C-related condition.

Allele frequency attached by ClinVar (database versions not stated): gnomAD exomes below 0.00001 and 0.00001; TOPMed below 0.00001; ExAC 0.00001; gnomAD 0.00001.
gnomAD v4.1: 4 of 1,613,972 alleles (0.00025%); highest among the groups gnomAD compares: African/African-American, 0.0027%; no homozygotes.

Submissions (3):

Blueprint Genetics
Classification: Pathogenic for USH1C-related disorders. Last evaluated: 2024-02-05. Review status: criteria provided, single submitter. Criteria: ACMG Guidelines, 2015. Collection method: clinical testing. Allele origin: germline. Affected: yes. Observed: 1 variant allele.

GeneDx
Classification: Pathogenic. Last evaluated: 2023-09-10. Review status: criteria provided, single submitter. Criteria: GeneDx Variant Classification Process June 2021. Collection method: clinical testing. Allele origin: germline. Affected: yes.
Comment: Nonsense variant predicted to result in protein truncation or nonsense mediated decay in a gene for which loss of function is a known mechanism of disease; Not observed at significant frequency in large population cohorts (gnomAD); This variant is associated with the following publications: (PMID: 26226137, 32991204)

Labcorp Genetics (formerly Invitae), Labcorp
Classification: Pathogenic. Last evaluated: 2022-02-04. Review status: criteria provided, single submitter. Criteria: Invitae Variant Classification Sherloc (09022015). Collection method: clinical testing. Allele origin: germline.
Comment: This sequence change creates a premature translational stop signal (p.Lys210*) in the USH1C gene. It is expected to result in an absent or disrupted protein product. Loss-of-function variants in USH1C are known to be pathogenic (PMID: 10973247, 17407589, 20301442, 21203349). This variant is present in population databases (rs755601799, gnomAD 0.007%). This premature translational stop signal has been observed in individual(s) with nonsyndromic deafness (PMID: 26226137). This variant is also known as p.K210X. ClinVar contains an entry for this variant (Variation ID: 936958). For these reasons, this variant has been classified as Pathogenic.

Literature cited by the submitters: PubMed 10973247 (cited by Labcorp Genetics (formerly Invitae), Labcorp); PubMed 17407589 (cited by Labcorp Genetics (formerly Invitae), Labcorp); PubMed 20301442 (cited by Labcorp Genetics (formerly Invitae), Labcorp); PubMed 21203349 (cited by Labcorp Genetics (formerly Invitae), Labcorp); PubMed 26226137 (cited by Labcorp Genetics (formerly Invitae), Labcorp).